The following is an entry in ClinVar:

ClinVar aggregate classification (germline): Likely pathogenic. Review status: reviewed by expert panel (3 of 4 stars). 6 submissions from 6 submitters: Likely pathogenic (1). 5 of the submissions do not count toward it. Last evaluated 2022-08-03.

Conditions:
OTOF-related disorder. Also called: OTOF-related condition.
Autosomal recessive nonsyndromic hearing loss 9. Also called: NEUROSENSORY NONSYNDROMIC RECESSIVE DEAFNESS 9; AUDITORY NEUROPATHY, AUTOSOMAL RECESSIVE, 1, TEMPERATURE-SENSITIVE; Deafness, autosomal recessive 9; OTOF-Related Hearing Loss. Identifiers: Orphanet 90636, MedGen C1832828, MONDO:0010986, OMIM 601071.
Nonsyndromic genetic hearing loss. Also called: Nonsyndromic hearing loss and deafness; Nonsyndromic genetic deafness; Non-syndromic genetic deafness. Identifiers: Orphanet 87884, MedGen C5680182, MONDO:0019497.

Allele frequency attached by ClinVar (database versions not stated): ExAC 0.00001; gnomAD 0.00001; TOPMed 0.00001; gnomAD exomes 0.00002; ESP Exome Variant Server 0.00008.
gnomAD v4.1: 24 of 1,614,136 alleles (0.0015%); highest among the groups gnomAD compares: Non-Finnish European, 0.0019%; no homozygotes.

Submissions (6):

ClinGen Hearing Loss Variant Curation Expert Panel
Classification: Likely pathogenic for Autosomal recessive nonsyndromic hearing loss 9. Last evaluated: 2022-08-03. Review status: reviewed by expert panel. Criteria: clingen hl acmg specifications otof myo15a v1. Collection method: curation. Allele origin: germline. Inheritance: Autosomal recessive inheritance.
Comment: The c.4748G>A variant in OTOF is a missense variant predicted to cause substitution of arginine by histidine at amino acid 1583. The highest population minor allele frequency in gnomAD v2.1.1 is 0.00006152 (1/16254 alleles) in the African/African American population, which is lower than the ClinGen Hearing Loss VCEP threshold (<0.00007) for PM2_Supporting, meeting this criterion (PM2_Supporting). The computational predictor REVEL gives a score of 0.912, which is above the threshold of 0.7, evidence that correlates with impact to OTOF function (PP3). Another missense variant c.4747C>T (p.R1583C) (PMID:26818607, 31589614, 32747562, 33724713, 34426522, ClinVar Variation ID:402270) in the same codon has been classified as pathogenic/likely pathogenic for autosomal recessive nonsyndromic hearing loss in ClinVar (PM5). At least one patient with this variant and compound heterozygous for the c.2215-1G>C variant displayed auditory neuropathy spectrum disorder (ANSD), which is highly specific for ANSD (PP4, PMID:24001616). This variant has been detected in at least 1 individual with ANSD, who was compound heterozygous for the variant and a pathogenic or likely pathogenic variant were confirmed in trans by family testing (c.2215-1G>C, 1 PM3 point, PMID:24001616). Additional compound heterozygous cases with variants c.5816G>A (p.R1939Q), c.3515G>A (p.R1172Q), and c.2523+1G>T (PMIDs: 24053799, 31095577, 31827501 respectively) were also seen, but excluded from scoring due to less scorable evidence. In summary, this variant meets the criteria to be classified as likely pathogenic for autosomal recessive nonsyndromic hearing loss based on the ACMG/AMP criteria applied, as specified by the ClinGen Hearing Loss VCEP: PM2_P, PP3, PM5, PP4, PM3 (ClinGen Hearing Loss VCEP specifications version 2; 7/21/2022).

PreventionGenetics, part of Exact Sciences
Classification: Likely pathogenic for OTOF-related condition. Last evaluated: 2026-07-02. Review status: criteria provided, single submitter. Criteria: ACMG Guidelines, 2015. Collection method: clinical testing. Allele origin: germline. Not counted in ClinVar's aggregate classification.
Comment: The OTOF c.4748G>A variant is predicted to result in the amino acid substitution p.Arg1583His. This variant has been reported in combination with another OTOF variant in individuals with non-syndromic sensorineural hearing loss and auditory neuropathy spectrum disorder (SNHL/ANSD, Iwasa et al. 2013. PubMed ID: 24053799; Table S3, Thorpe et al. 2021. PubMed ID: 34424407; Buianova et al. 2024. PubMed ID: 39684270). This variant is reported in 0.0062% of alleles in individuals of African descent in gnomAD and has been classified as likely pathogenic by the ClinGen Hearing Loss Variant Curation Expert Panel in ClinVar (Variation ID: 2429109). An alternate variant at the same amino acid position (p.Arg1583Cys) has been reported in individuals affected with SNHL/ANSD (Zhang et al. 2016. PubMed ID: 26818607; Table S3, Thorpe et al. 2021. PubMed ID: 34424407). The c.4748G>A (p.Arg1583His) variant is interpreted as likely pathogenic.

GeneDx
Classification: Likely pathogenic. Last evaluated: 2026-03-11. Review status: criteria provided, single submitter. Criteria: GeneDx Variant Classification Process June 2021. Collection method: clinical testing. Allele origin: germline. Not counted in ClinVar's aggregate classification.
Comment: Observed with another OTOF variant (phase unknown) in an individual with infantile onset sensorineural hearing loss in published literature (Iwasa et al., 2013; Iwasa et al., 2019); In silico analysis supports that this missense variant has a deleterious effect on protein structure/function; Not observed at significant frequency in large population cohorts (gnomAD); This variant is associated with the following publications: (PMID: 31827501, 24001616, 37679651, 24053799, 31095577)

Women's Health and Genetics/Laboratory Corporation of America, LabCorp
Classification: Likely pathogenic for Nonsyndromic genetic hearing loss. Last evaluated: 2023-08-11. Review status: criteria provided, single submitter. Criteria: LabCorp Variant Classification Summary - May 2015. Collection method: clinical testing. Allele origin: germline. Not counted in ClinVar's aggregate classification.
Comment: Variant summary: OTOF c.4748G>A (p.Arg1583His) results in a non-conservative amino acid change located in the sixth C2 domain (IPR000008) of the encoded protein sequence. Five of five in-silico tools predict a damaging effect of the variant on protein function. The variant allele was found at a frequency of 4e-06 in 251472 control chromosomes (gnomAD). c.4748G>A has been reported in the literature in at least four compound heterozygous individuals affected with Nonsyndromic Hearing Loss and Deafness, Type 9 (Iwasa_2013, Zhang_2013, Qiu_2019, Iwasa_2019). These data indicate that the variant is likely to be associated with disease. To our knowledge, no experimental evidence demonstrating an impact on protein function has been reported. The following publications have been ascertained in the context of this evaluation (PMID: 24001616, 24053799, 31095577, 31827501). Two submitters have cited clinical-significance assessments for this variant to ClinVar after 2014. All submitters classified the variant as likely pathogenic. Based on the evidence outlined above, the variant was classified as likely pathogenic.

Labcorp Genetics (formerly Invitae), Labcorp
Classification: Pathogenic. Last evaluated: 2023-04-13. Review status: criteria provided, single submitter. Criteria: Invitae Variant Classification Sherloc (09022015). Collection method: clinical testing. Allele origin: germline. Not counted in ClinVar's aggregate classification.
Comment: For these reasons, this variant has been classified as Pathogenic. This variant disrupts the p.Arg1583 amino acid residue in OTOF. Other variant(s) that disrupt this residue have been determined to be pathogenic (PMID: 26818607, 32747562, 33724713, 34424407). This suggests that this residue is clinically significant, and that variants that disrupt this residue are likely to be disease-causing. Advanced modeling of protein sequence and biophysical properties (such as structural, functional, and spatial information, amino acid conservation, physicochemical variation, residue mobility, and thermodynamic stability) has been performed at Invitae for this missense variant, however the output from this modeling did not meet the statistical confidence thresholds required to predict the impact of this variant on OTOF protein function. ClinVar contains an entry for this variant (Variation ID: 2429109). This missense change has been observed in individual(s) with auditory neuropathy and/or clinical features of OTOF-related conditions (PMID: 24001616, 24053799, 31095577, 31827501). In at least one individual the data is consistent with being in trans (on the opposite chromosome) from a pathogenic variant. This variant is present in population databases (rs139416718, gnomAD 0.007%). This sequence change replaces arginine, which is basic and polar, with histidine, which is basic and polar, at codon 1583 of the OTOF protein (p.Arg1583His).

Blueprint Genetics
Classification: Pathogenic for OTOF-related disorders. Last evaluated: 2022-04-21. Review status: criteria provided, single submitter. Criteria: ACMG Guidelines, 2015. Collection method: clinical testing. Allele origin: germline. Affected: yes. Observed: 2 variant alleles. Not counted in ClinVar's aggregate classification.

Literature cited by the submitters: PubMed 31827501 (cited by Women's Health and Genetics/Laboratory Corporation of America, LabCorp and Labcorp Genetics (formerly Invitae), Labcorp); PubMed 31095577 (cited by Women's Health and Genetics/Laboratory Corporation of America, LabCorp and Labcorp Genetics (formerly Invitae), Labcorp); PubMed 24001616 (cited by Women's Health and Genetics/Laboratory Corporation of America, LabCorp and Labcorp Genetics (formerly Invitae), Labcorp); PubMed 24053799 (cited by Women's Health and Genetics/Laboratory Corporation of America, LabCorp and Labcorp Genetics (formerly Invitae), Labcorp); PubMed 26818607 (cited by Labcorp Genetics (formerly Invitae), Labcorp); PubMed 32747562 (cited by Labcorp Genetics (formerly Invitae), Labcorp); PubMed 33724713 (cited by Labcorp Genetics (formerly Invitae), Labcorp); PubMed 34424407 (cited by Labcorp Genetics (formerly Invitae), Labcorp).

NM_194248.3(OTOF):c.4748G>A (p.Arg1583His)

Gene: OTOF (otoferlin; minus strand). Cytogenetic location: 2p23.3.
Variant type: single nucleotide variant.
Coding change: c.4748G>A on transcript NM_194248.3 (MANE Select); coding-DNA position 4748, G replaced by A.
Protein change: p.Arg1583His; replaces arginine 1583 with histidine.
Molecular consequence: missense variant.
Genome position (GRCh38, 1-based): chr2:26,465,723, C>T on the plus strand (G>A on the coding strand, the complement: OTOF is on the minus strand). VCF-style: chr2-26465723-C-T. GRCh37 (hg19) VCF-style: chr2-26688591-C-T.
Other names: NM_194323.3:c.2447G>A; c.4748G>A, p.Arg1583His (NM_001287489.2); c.2447G>A, p.Arg816His (NM_004802.4, NM_194323.3); c.2678G>A, p.Arg893His (NM_194322.3); c.4748G>A (NM_194248.2); short protein forms R1583H, R816H, R893H.
Identifiers: ClinVar variation 2429109 (VCV002429109.13), dbSNP rs139416718, ClinGen allele CA1563057.